The following is an entry in ClinVar:

NM_002109.6(HARS1):c.749A>G (p.Lys250Arg)

Gene: HARS1 (histidyl-tRNA synthetase 1; minus strand). Cytogenetic location: 5q31.3.
Variant type: single nucleotide variant.
Coding change: c.749A>G on transcript NM_002109.6 (MANE Select); coding-DNA position 749, A replaced by G.
Protein change: p.Lys250Arg; replaces lysine 250 with arginine.
Molecular consequence: missense variant.
Genome position (GRCh38, 1-based): chr5:140,677,401, T>C on the plus strand (A>G on the coding strand, the complement: HARS1 is on the minus strand). VCF-style: chr5-140677401-T-C. GRCh37 (hg19) VCF-style: chr5-140056986-T-C.
Other names: c.569A>G, p.Lys190Arg (NM_001258042.3); c.527A>G, p.Lys176Arg (NM_001289092.2); c.407A>G, p.Lys136Arg (NM_001289093.2); c.662A>G, p.Lys221Arg (NM_001289094.2); c.629A>G, p.Lys210Arg (NM_001258040.3); c.689A>G, p.Lys230Arg (NM_001258041.3); short protein forms K136R, K176R, K190R, K210R, K221R, K230R, K250R.
Identifiers: ClinVar variation 1680325 (VCV001680325.8), dbSNP rs1758445064, ClinGen allele CA361254138.
Genomic context (GRCh38, chr5:140,677,401, plus strand): 5'-TAGTCCCCAATGCGGTCAGCCACCTCAGGTGCAAGGCCCTTCTCTCCCACCATCTCATTC[T>C]TCACCTCTTCCCAGGACACCTAGGCAGACAGACACCAGTCAGGGACCCCTGGGCAGCTTC-3'
Protein context (NP_002100.2, residues 240-260): KLDKVSWEEV[Lys250Arg]NEMVGEKGLA

ClinVar aggregate classification (germline): Uncertain significance (1 of 4 stars; one submission).

Conditions:
Usher syndrome type 3B. Also called: USHER SYNDROME, TYPE IIIB. Identifiers: MedGen C3281066, MONDO:0013788, OMIM 614504.

Allele frequency attached by ClinVar (database versions not stated): gnomAD 0.00001.

Submission:

Labcorp Genetics (formerly Invitae), Labcorp
Classification: Uncertain significance for Usher syndrome type 3B. Last evaluated: 2022-09-20. Review status: criteria provided, single submitter. Criteria: Invitae Variant Classification Sherloc (09022015). Collection method: clinical testing. Allele origin: germline.
Comment: In summary, the available evidence is currently insufficient to determine the role of this variant in disease. Therefore, it has been classified as a Variant of Uncertain Significance. Algorithms developed to predict the effect of sequence changes on RNA splicing suggest that this variant may disrupt the consensus splice site. Advanced modeling of protein sequence and biophysical properties (such as structural, functional, and spatial information, amino acid conservation, physicochemical variation, residue mobility, and thermodynamic stability) performed at Invitae indicates that this missense variant is not expected to disrupt HARS protein function. ClinVar contains an entry for this variant (Variation ID: 1680325). This variant has not been reported in the literature in individuals affected with HARS-related conditions. This variant is not present in population databases (gnomAD no frequency). This sequence change replaces lysine, which is basic and polar, with arginine, which is basic and polar, at codon 250 of the HARS protein (p.Lys250Arg).